The following is an entry in ClinVar:

ClinVar aggregate classification (germline): Uncertain significance. Review status: criteria provided, multiple submitters, no conflicts (2 of 4 stars). 3 submissions from 3 submitters: Uncertain significance (2). 1 of the submissions does not count toward it. Last evaluated 2025-07-14.

Conditions:
Bloom syndrome (BLM). Also called: Bloom-Torre-Machacek syndrome. Identifiers: Orphanet 125, MedGen C0005859, MONDO:0008876, OMIM 210900.
Hereditary cancer-predisposing syndrome. Also called: Neoplastic Syndromes, Hereditary; Hereditary neoplastic syndrome; Tumor predisposition; Hereditary Cancer Syndrome. Identifiers: Orphanet 140162, MedGen C0027672, MeSH D009386, MONDO:0015356.

gnomAD v4.1: 1 of 1,567,404 alleles (0.000064%); no homozygotes.

Submissions (3):

Labcorp Genetics (formerly Invitae), Labcorp
Classification: Uncertain significance for Bloom syndrome. Last evaluated: 2025-07-14. Review status: criteria provided, single submitter. Criteria: Invitae Variant Classification Sherloc (09022015). Collection method: clinical testing. Allele origin: germline.
Comment: This sequence change replaces isoleucine, which is neutral and non-polar, with phenylalanine, which is neutral and non-polar, at codon 732 of the BLM protein (p.Ile732Phe). This variant is not present in population databases (gnomAD no frequency). This variant has not been reported in the literature in individuals affected with BLM-related conditions. ClinVar contains an entry for this variant (Variation ID: 524776). An algorithm developed to predict the effect of missense changes on protein structure and function (PolyPhen-2) suggests that this variant is likely to be disruptive. In summary, the available evidence is currently insufficient to determine the role of this variant in disease. Therefore, it has been classified as a Variant of Uncertain Significance.

Ambry Genetics
Classification: Uncertain significance for Hereditary cancer-predisposing syndrome. Last evaluated: 2024-08-14. Review status: criteria provided, single submitter. Criteria: Ambry Variant Classification Scheme 2023. Collection method: clinical testing. Allele origin: germline.
Comment: The p.I732F variant (also known as c.2194A>T) is located in coding exon 9 of the BLM gene. The isoleucine at codon 732 is replaced by phenylalanine, an amino acid with highly similar properties. This change occurs in the first base pair of coding exon 9. This amino acid position is conserved. In addition, the in silico prediction for this alteration is inconclusive. Based on the available evidence, the clinical significance of this variant remains unclear.

Natera, Inc.
Classification: Uncertain significance for Bloom syndrome. Last evaluated: 2021-06-25. Review status: no assertion criteria provided. Collection method: clinical testing. Allele origin: germline. Not counted in ClinVar's aggregate classification.

NM_000057.4(BLM):c.2194A>T (p.Ile732Phe)

Gene: BLM (BLM RecQ like helicase; plus strand). Cytogenetic location: 15q26.1.
Variant type: single nucleotide variant.
Coding change: c.2194A>T on transcript NM_000057.4 (MANE Select); coding-DNA position 2194, A replaced by T.
Protein change: p.Ile732Phe; replaces isoleucine 732 with phenylalanine.
Molecular consequence: missense variant.
Genome position (GRCh38, 1-based): chr15:90,766,910, A>T. VCF-style: chr15-90766910-A-T. GRCh37 (hg19) VCF-style: chr15-91310140-A-T.
Other names: c.2194A>T, p.Ile732Phe (NM_001287246.2, NM_001287247.2); c.1069A>T, p.Ile357Phe (NM_001287248.2); c.2194A>T (NM_000057.2); short protein forms I732F, I357F.
Identifiers: ClinVar variation 524776 (VCV000524776.11), dbSNP rs1555420546, ClinGen allele CA393844767.